The following is an entry in ClinVar:

NM_004369.4(COL6A3):c.752A>C (p.Asn251Thr)

Gene: COL6A3 (collagen type VI alpha 3 chain; minus strand). Cytogenetic location: 2q37.3.
Variant type: single nucleotide variant.
Coding change: c.752A>C on transcript NM_004369.4 (MANE Select); coding-DNA position 752, A replaced by C.
Protein change: p.Asn251Thr; replaces asparagine 251 with threonine.
Molecular consequence: missense variant. On other transcripts: intron variant (2).
Genome position (GRCh38, 1-based): chr2:237,388,142, T>G on the plus strand (A>C on the coding strand, the complement: COL6A3 is on the minus strand). VCF-style: chr2-237388142-T-G. GRCh37 (hg19) VCF-style: chr2-238296785-T-G.
Other names: c.134A>C, p.Asn45Thr (NM_057165.5, NM_057167.4); c.92-6643A>C (NM_057166.5, NM_057164.5); short protein forms N45T, N251T.
Identifiers: ClinVar variation 2860875 (VCV002860875.3), dbSNP rs1160081478, ClinGen allele CA351224113.
Genomic context (GRCh38, chr2:237,388,142, plus strand): 5'-TTCTCAAGGAGATTTACAAGGAAGTCGAGAATGACTGCGAAATTGACACTTCCGGTGTTG[T>G]TTGATCCATCAATAAGGAAAATAATGTCAGCAGAGTCTTGTGCTTTAAAAGAAAGAAATG-3'
Protein context (NP_004360.2, residues 241-261): ADIIFLIDGS[Asn251Thr]NTGSVNFAVI

ClinVar aggregate classification (germline): Uncertain significance (1 of 4 stars; one submission).

Conditions:
Bethlem myopathy 1A. Also called: Bethlem myopathy 1; MYOPATHY, BENIGN CONGENITAL, WITH CONTRACTURES; Bethlem Muscular Dystrophy. Identifiers: Orphanet 610, MedGen CN029274, MONDO:0024530, OMIM 158810.

Allele frequency attached by ClinVar (database versions not stated): TOPMed below 0.00001.

Submission:

Labcorp Genetics (formerly Invitae), Labcorp
Classification: Uncertain significance for Bethlem myopathy 1A. Last evaluated: 2023-04-30. Review status: criteria provided, single submitter. Criteria: Invitae Variant Classification Sherloc (09022015). Collection method: clinical testing. Allele origin: germline.
Comment: This sequence change replaces asparagine, which is neutral and polar, with threonine, which is neutral and polar, at codon 251 of the COL6A3 protein (p.Asn251Thr). This variant is not present in population databases (gnomAD no frequency). This variant has not been reported in the literature in individuals affected with COL6A3-related conditions. Advanced modeling of protein sequence and biophysical properties (such as structural, functional, and spatial information, amino acid conservation, physicochemical variation, residue mobility, and thermodynamic stability) performed at Invitae indicates that this missense variant is not expected to disrupt COL6A3 protein function. In summary, the available evidence is currently insufficient to determine the role of this variant in disease. Therefore, it has been classified as a Variant of Uncertain Significance.